The following is an entry in ClinVar:

ClinVar aggregate classification (germline): Uncertain significance (1 of 4 stars; one submission).

Allele frequency attached by ClinVar (database versions not stated): gnomAD exomes below 0.00001; TOPMed below 0.00001.
gnomAD v4.1: 1 of 1,614,008 alleles (0.000062%); highest among the groups gnomAD compares: Non-Finnish European, 0.000085%; no homozygotes.

Submission:

Ambry Genetics
Classification: Uncertain significance. Last evaluated: 2022-08-22. Review status: criteria provided, single submitter. Criteria: Ambry Variant Classification Scheme 2023. Collection method: clinical testing. Allele origin: germline.
Comment: The p.S1778L variant (also known as c.5333C>T), located in coding exon 16 of the POLQ gene, results from a C to T substitution at nucleotide position 5333. The serine at codon 1778 is replaced by leucine, an amino acid with dissimilar properties. This amino acid position is conserved. In addition, this alteration is predicted to be tolerated by in silico analysis. Since supporting evidence is limited at this time, the clinical significance of this alteration remains unclear.

NM_199420.4(POLQ):c.5333C>T (p.Ser1778Leu)

Gene: POLQ (DNA polymerase theta; minus strand). Cytogenetic location: 3q13.33.
Variant type: single nucleotide variant.
Coding change: c.5333C>T on transcript NM_199420.4 (MANE Select); coding-DNA position 5333, C replaced by T.
Protein change: p.Ser1778Leu; replaces serine 1778 with leucine.
Molecular consequence: missense variant.
Genome position (GRCh38, 1-based): chr3:121,487,598, G>A on the plus strand (C>T on the coding strand, the complement: POLQ is on the minus strand). VCF-style: chr3-121487598-G-A. GRCh37 (hg19) VCF-style: chr3-121206445-G-A.
Other names: short protein forms S1778L.
Identifiers: ClinVar variation 1746889 (VCV001746889.2), dbSNP rs2048023050, ClinGen allele CA354090525.